The following is an entry in ClinVar:

NM_000059.4(BRCA2):c.9421G>A (p.Gly3141Arg)

Gene: BRCA2 (BRCA2 DNA repair associated; plus strand). Cytogenetic location: 13q13.1.
Variant type: single nucleotide variant.
Coding change: c.9421G>A on transcript NM_000059.4 (MANE Select); coding-DNA position 9421, G replaced by A.
Protein change: p.Gly3141Arg; replaces glycine 3141 with arginine.
Molecular consequence: missense variant.
Genome position (GRCh38, 1-based): chr13:32,394,853, G>A. VCF-style: chr13-32394853-G-A. GRCh37 (hg19) VCF-style: chr13-32968990-G-A.
Other names: short protein forms G3141R.
Identifiers: ClinVar variation 574292 (VCV000574292.12), dbSNP rs1566259143, ClinGen allele CA387761468.

ClinVar aggregate classification (germline): Conflicting classifications of pathogenicity. Review status: criteria provided, conflicting classifications (1 of 4 stars). 3 submissions from 3 submitters: Uncertain significance (2); Likely benign (1). Last evaluated 2024-05-15.

Conditions:
Hereditary cancer-predisposing syndrome. Also called: Neoplastic Syndromes, Hereditary; Hereditary Cancer Syndrome; Tumor predisposition; Hereditary neoplastic syndrome. Identifiers: Orphanet 140162, MedGen C0027672, MeSH D009386, MONDO:0015356.
Hereditary breast ovarian cancer syndrome. Also called: BRCA1- and BRCA2-Associated Hereditary Breast and Ovarian Cancer; Hereditary breast and ovarian cancer; Hereditary breast and/or ovarian cancer syndrome; Hereditary breast and ovarian cancer syndrome; Hereditary breast and ovarian cancer syndrome (HBOC); Breast and ovarian cancer. Identifiers: Orphanet 145, MedGen C0677776, MeSH D061325, MONDO:0003582. Disease mechanism: loss of function.

Submissions (3):

Labcorp Genetics (formerly Invitae), Labcorp
Classification: Likely benign for Hereditary breast ovarian cancer syndrome. Last evaluated: 2024-05-15. Review status: criteria provided, single submitter. Criteria: Invitae Variant Classification Sherloc (09022015). Collection method: clinical testing. Allele origin: germline.

Color Diagnostics, LLC DBA Color Health
Classification: Uncertain significance for Hereditary cancer-predisposing syndrome. Last evaluated: 2024-03-06. Review status: criteria provided, single submitter. Criteria: ACMG Guidelines, 2015. Collection method: clinical testing. Allele origin: germline.
Comment: This missense variant replaces glycine with arginine at codon 3141 of the BRCA2 protein. Computational prediction suggests that this variant may have deleterious impact on protein structure and function (internally defined REVEL score threshold >= 0.7, PMID: 27666373). To our knowledge, functional studies have not been reported for this variant. This variant has not been reported in individuals affected with hereditary cancer in the literature. This variant has not been identified in the general population by the Genome Aggregation Database (gnomAD). The available evidence is insufficient to determine the role of this variant in disease conclusively. Therefore, this variant is classified as a Variant of Uncertain Significance.

German Consortium for Hereditary Breast and Ovarian Cancer, University Hospital Cologne
Classification: Uncertain significance for Hereditary breast ovarian cancer syndrome. Last evaluated: 2023-12-19. Review status: criteria provided, single submitter. Criteria: ClinGen BRCA2 V1.0.0. Collection method: curation. Allele origin: germline.
Comment: . According to the ClinGen ENIGMA BRCA2 v1.0.0 criteria we chose these criteria: PM2 (supporting pathogenic): not in gnomAD, BP4 (supporting benign): BayesDel no-AF score ≤ 0.18 AND SpliceAI ≤0.1